The following is an entry in ClinVar:

NM_000814.6(GABRB3):c.352G>A (p.Val118Met)

Gene: GABRB3 (gamma-aminobutyric acid type A receptor subunit beta3; minus strand). Cytogenetic location: 15q12.
Variant type: single nucleotide variant.
Coding change: c.352G>A on transcript NM_000814.6 (MANE Select); coding-DNA position 352, G replaced by A.
Protein change: p.Val118Met; replaces valine 118 with methionine.
Molecular consequence: missense variant. On other transcripts: non-coding transcript variant (1).
Genome position (GRCh38, 1-based): chr15:26,621,423, C>T on the plus strand (G>A on the coding strand, the complement: GABRB3 is on the minus strand). VCF-style: chr15-26621423-C-T. GRCh37 (hg19) VCF-style: chr15-26866570-C-T.
Other names: c.97G>A, p.Val33Met (NM_001191320.2, NM_001278631.2); c.139G>A, p.Val47Met (NM_001191321.3); c.352G>A, p.Val118Met (NM_021912.5); short protein forms V118M, V33M, V47M.
Identifiers: ClinVar variation 1016887 (VCV001016887.8), dbSNP rs1281101862, ClinGen allele CA391460876.
Genomic context (GRCh38, chr15:26,621,423, plus strand): 5'-TTTTCACTGTCACTCCATGCACAAATGACTTTTTGTCATTTAAGAAATATGTGTCGGGCA[C>T]CCATAGCTGGTCAGCCACTCGATTGTCAAGCGTGAGGTTGAGAGGGATCCCAGAATAGGC-3'
Protein context (NP_000805.1, residues 108-128): LDNRVADQLW[Val118Met]PDTYFLNDKK

ClinVar aggregate classification (germline): Uncertain significance (1 of 4 stars; one submission).

Conditions:
Epilepsy, childhood absence, susceptibility to, 1. Also called: Epilepsy, childhood absence 1. Identifiers: Orphanet 64280, MedGen C1838604, MONDO:0020759, OMIM 600131.
Epilepsy, childhood absence, susceptibility to, 5. Identifiers: Orphanet 64280, MedGen C2677087, MONDO:0012843, OMIM 612269.

Allele frequency attached by ClinVar (database versions not stated): gnomAD exomes below 0.00001.
gnomAD v4.1: 1 of 1,614,130 alleles (0.000062%); highest among the groups gnomAD compares: South Asian, 0.0011%; no homozygotes.

Submission:

Labcorp Genetics (formerly Invitae), Labcorp
Classification: Uncertain significance for Epilepsy, childhood absence, susceptibility to, 5; Epilepsy, childhood absence, susceptibility to, 1. Last evaluated: 2022-01-12. Review status: criteria provided, single submitter. Criteria: Invitae Variant Classification Sherloc (09022015). Collection method: clinical testing. Allele origin: germline.
Comment: In summary, the available evidence is currently insufficient to determine the role of this variant in disease. Therefore, it has been classified as a Variant of Uncertain Significance. Advanced modeling of protein sequence and biophysical properties (such as structural, functional, and spatial information, amino acid conservation, physicochemical variation, residue mobility, and thermodynamic stability) performed at Invitae indicates that this missense variant is expected to disrupt GABRB3 protein function. ClinVar contains an entry for this variant (Variation ID: 1016887). This variant has not been reported in the literature in individuals affected with GABRB3-related conditions. This variant is not present in population databases (gnomAD no frequency). This sequence change replaces valine, which is neutral and non-polar, with methionine, which is neutral and non-polar, at codon 118 of the GABRB3 protein (p.Val118Met).